The following is an entry in ClinVar:

ClinVar aggregate classification (germline): Uncertain significance (1 of 4 stars; one submission).

Conditions:
Hearing loss, autosomal recessive 108. Also called: DEAFNESS, AUTOSOMAL RECESSIVE 108. Identifiers: MedGen C4539997, MONDO:0033200, OMIM 617654.

gnomAD v4.1: 1 of 1,614,114 alleles (0.000062%); highest among the groups gnomAD compares: Middle Eastern, 0.016%; no homozygotes.

Submission:

Baylor Genetics
Classification: Uncertain significance for Hearing loss, autosomal recessive 108. Last evaluated: 2019-08-23. Review status: criteria provided, single submitter. Criteria: ACMG Guidelines, 2015. Collection method: clinical testing. Allele origin: unknown. Affected: yes.
Comment: This variant was determined to be of uncertain significance according to ACMG Guidelines, 2015 [PMID:25741868].

NM_005012.4(ROR1):c.2728T>G (p.Tyr910Asp)

Gene: ROR1 (receptor tyrosine kinase like orphan receptor 1; plus strand). Cytogenetic location: 1p31.3.
Variant type: single nucleotide variant.
Coding change: c.2728T>G on transcript NM_005012.4 (MANE Select); coding-DNA position 2728, T replaced by G.
Protein change: p.Tyr910Asp; replaces tyrosine 910 with aspartic acid.
Molecular consequence: missense variant.
Genome position (GRCh38, 1-based): chr1:64,178,769, T>G. VCF-style: chr1-64178769-T-G. GRCh37 (hg19) VCF-style: chr1-64644452-T-G.
Other names: short protein forms Y910D.
Identifiers: ClinVar variation 1028328 (VCV001028328.1), dbSNP rs760355948, ClinGen allele CA340648757.